The following is an entry in ClinVar:

ClinVar aggregate classification (germline): Benign. Review status: criteria provided, multiple submitters, no conflicts (2 of 4 stars). 11 submissions from 11 submitters: Benign (11). Last evaluated 2026-02-04.

Conditions:
Kabuki syndrome. Also called: NIIKAWA-KUROKI SYNDROME; Kabuki make-up syndrome. Identifiers: Orphanet 2322, MedGen C0796004, MONDO:0016512.
Kabuki syndrome 1 (KABUK1). Also called: KMT2D-Related Kabuki Syndrome. Identifiers: Orphanet 2322, MedGen CN030661, MONDO:0007843, OMIM 147920.

Allele frequency attached by ClinVar (database versions not stated): ESP Exome Variant Server 0.38541; gnomAD exomes 0.38567 and 0.37452; gnomAD 0.39054 and 0.39186; 1000 Genomes Project 30x 0.40194; 1000 Genomes Project 0.40355; TOPMed 0.37956; ExAC 0.37957.
gnomAD v4.1: 621,412 of 1,609,518 alleles (39%); highest among the groups gnomAD compares: South Asian, 44%; 121,798 homozygotes.

Submissions (11):

Labcorp Genetics (formerly Invitae), Labcorp
Classification: Benign for Kabuki syndrome. Last evaluated: 2026-02-04. Review status: criteria provided, single submitter. Criteria: Invitae Variant Classification Sherloc (09022015). Collection method: clinical testing. Allele origin: germline.

Blueprint Genetics
Classification: Benign. Last evaluated: 2024-11-27. Review status: criteria provided, single submitter. Criteria: ACMG Guidelines, 2015. Collection method: clinical testing. Allele origin: germline.

Unidad de Genómica Garrahan, Hospital de Pediatría Garrahan
Classification: Benign. Last evaluated: 2024-01-24. Review status: criteria provided, single submitter. Criteria: ACMG Guidelines, 2015. Collection method: clinical testing. Allele origin: germline. Affected: no. Observed: 54 variant alleles.
Comment: This variant is classified as Benign based on local population frequency. This variant was detected in 57% of patients studied by a panel of primary immunodeficiencies. Number of patients: 54. Only high quality variants are reported.

Mayo Clinic Laboratories, Mayo Clinic
Classification: Benign. Last evaluated: 2022-09-06. Review status: criteria provided, single submitter. Criteria: ACMG Guidelines, 2015. Collection method: clinical testing. Allele origin: germline. Observed: 27 variant alleles.

ARUP Laboratories, Molecular Genetics and Genomics, ARUP Laboratories
Classification: Benign for Kabuki syndrome 1. Last evaluated: 2018-08-23. Review status: criteria provided, single submitter. Criteria: ARUP Molecular Germline Variant Investigation Process. Collection method: clinical testing. Allele origin: germline.

Laboratory for Molecular Medicine, Mass General Brigham Personalized Medicine
Classification: Benign. Last evaluated: 2016-03-28. Review status: criteria provided, single submitter. Criteria: LMM Criteria. Collection method: clinical testing. Allele origin: germline.
Comment: Variant identified in a genome or exome case(s) and assessed due to predicted null impact of the variant or pathogenic assertions in the literature or databases. Disclaimer: This variant has not undergone full assessment. The following are preliminary notes: Frequency

Eurofins Ntd Llc (ga)
Classification: Benign. Last evaluated: 2015-07-02. Review status: criteria provided, single submitter. Criteria: EGL Classification Definitions 2015. Collection method: clinical testing. Allele origin: germline. Observed: 248 variant alleles, 197 heterozygotes, 51 homozygotes.

GeneDx
Classification: Benign. Last evaluated: 2015-03-03. Review status: criteria provided, single submitter. Criteria: GeneDx Variant Classification Process June 2021. Collection method: clinical testing. Allele origin: germline. Affected: yes.

Genetic Services Laboratory, University of Chicago
Classification: Benign. Last evaluated: 2013-02-08. Review status: criteria provided, single submitter. Criteria: ACMG Guidelines, 2007. Collection method: clinical testing. Allele origin: germline. Inheritance: Autosomal dominant inheritance.

Breakthrough Genomics
Classification: Benign. Review status: criteria provided, single submitter. Criteria: ACMG Guidelines, 2015. Collection method: not provided. Allele origin: germline. Inheritance: Autosomal dominant inheritance. Affected: yes.

PreventionGenetics, part of Exact Sciences
Classification: Benign. Review status: criteria provided, single submitter. Criteria: ACMG Guidelines, 2015. Collection method: clinical testing. Allele origin: germline.

NM_003482.4(KMT2D):c.2826C>T (p.Ile942=)

Gene: KMT2D (lysine methyltransferase 2D; minus strand). Cytogenetic location: 12q13.12.
Variant type: single nucleotide variant.
Coding change: c.2826C>T on transcript NM_003482.4 (MANE Select); coding-DNA position 2826, C replaced by T.
Protein change: p.Ile942=; no amino-acid change (isoleucine 942 retained).
Molecular consequence: synonymous variant.
Genome position (GRCh38, 1-based): chr12:49,050,762, G>A on the plus strand (C>T on the coding strand, the complement: KMT2D is on the minus strand). VCF-style: chr12-49050762-G-A. GRCh37 (hg19) VCF-style: chr12-49444545-G-A.
Other names: p.Ile942=.
Identifiers: ClinVar variation 94206 (VCV000094206.34), dbSNP rs2241726, ClinGen allele CA147686.